The following is an entry in ClinVar:

ClinVar aggregate classification (germline): Uncertain significance (1 of 4 stars; one submission).

Conditions:
Progressive sclerosing poliodystrophy (MTDPS4A). Also called: ALPERS PROGRESSIVE INFANTILE POLIODYSTROPHY; Mitochondrial DNA depletion syndrome 4A (Alpers type); ALPERS DIFFUSE DEGENERATION OF CEREBRAL GRAY MATTER WITH HEPATIC CIRRHOSIS; Alpers-Huttenlocher Syndrome; Alpers-Huttenlocher Syndrome (AHS); Alpers Syndrome. Identifiers: Orphanet 726, MedGen C0205710, MONDO:0008758, OMIM 203700.

Allele frequency attached by ClinVar (database versions not stated): gnomAD exomes below 0.00001 and 0.00001; ExAC 0.00004.
gnomAD v4.1: 3 of 1,565,116 alleles (0.00019%); highest among the groups gnomAD compares: South Asian, 0.0035%; no homozygotes.

Submission:

Labcorp Genetics (formerly Invitae), Labcorp
Classification: Uncertain significance for Progressive sclerosing poliodystrophy. Last evaluated: 2025-09-02. Review status: criteria provided, single submitter. Criteria: Invitae Variant Classification Sherloc (09022015). Collection method: clinical testing. Allele origin: germline.
Comment: This sequence change replaces histidine, which is basic and polar, with proline, which is neutral and non-polar, at codon 138 of the POLG protein (p.His138Pro). This variant is present in population databases (rs766932926, gnomAD 0.004%). This variant has not been reported in the literature in individuals affected with POLG-related conditions. ClinVar contains an entry for this variant (Variation ID: 960824). Invitae Evidence Modeling of protein sequence and biophysical properties (such as structural, functional, and spatial information, amino acid conservation, physicochemical variation, residue mobility, and thermodynamic stability) indicates that this missense variant is expected to disrupt POLG protein function with a positive predictive value of 95%. In summary, the available evidence is currently insufficient to determine the role of this variant in disease. Therefore, it has been classified as a Variant of Uncertain Significance.

NM_002693.3(POLG):c.413A>C (p.His138Pro)

Genes: POLG (DNA polymerase gamma, catalytic subunit; minus strand), POLGARF (POLG alternative reading frame; minus strand). Cytogenetic location: 15q26.1.
Variant type: single nucleotide variant.
Coding change: c.413A>C on transcript NM_002693.3 (MANE Select); coding-DNA position 413, A replaced by C.
Protein change: p.His138Pro; replaces histidine 138 with proline.
Molecular consequence: missense variant.
Genome position (GRCh38, 1-based): chr15:89,333,342, T>G on the plus strand (A>C on the coding strand, the complement: POLG is on the minus strand). VCF-style: chr15-89333342-T-G. GRCh37 (hg19) VCF-style: chr15-89876573-T-G.
Other names: c.413A>C, p.His138Pro (NM_001126131.2); short protein forms H138P.
Identifiers: ClinVar variation 960824 (VCV000960824.10), dbSNP rs766932926, ClinGen allele CA7725117.
Genomic context (GRCh38, chr15:89,333,342, plus strand): 5'-AACAGCAAGTTGGCCGCCTCCAGGTAGGGCAGGCTCTGCTTCTGGGCCAGGAGGCGGAAG[T>G]GCTGGTCCAGGTTGTCCCCGTAGAGGGGCGGCAGGCGCAGCTCCACGTCGGGCAAGGGCA-3'
Protein context (NP_002684.1, residues 128-148): PPLYGDNLDQ[His138Pro]FRLLAQKQSL